The following is an entry in ClinVar:

ClinVar aggregate classification (germline): Likely benign. Review status: criteria provided, multiple submitters, no conflicts (2 of 4 stars). 2 submissions from 2 submitters: Likely benign (2). Last evaluated 2026-06-06.

Conditions:
Temple-Baraitser syndrome (TMBTS). Also called: Severe mental retardation and absent nails of hallux and pollex. Identifiers: Orphanet 420561, MedGen C2678486, MONDO:0012735, OMIM 611816.

Allele frequency attached by ClinVar (database versions not stated): gnomAD exomes below 0.00001; ExAC 0.00001; gnomAD 0.00001; 1000 Genomes Project 0.00020; 1000 Genomes Project 30x 0.00031.
gnomAD v4.1: 2 of 1,613,518 alleles (0.00012%); highest among the groups gnomAD compares: East Asian, 0.0045%; no homozygotes.

Submissions (2):

Centre for Medical Genetics,  Mumbai
Classification: Likely benign for Temple-Baraitser syndrome. Last evaluated: 2026-06-06. Review status: criteria provided, single submitter. Criteria: ACMG Guidelines, 2015. Collection method: provider interpretation. Allele origin: germline. Inheritance: Autosomal dominant inheritance. Affected: no. Observed: 1 variant allele, 1 heterozygote.
Comment: The variant satisfies PP3 criteria - for a missense or a splicing region variant, computational prediction tools unanimously support a deleterious effect on the gene. The variant satisfies PM2 criteria - extremely low frequency in gnomAD population databases. The variant satisfies PP2 criteria - missense variant in a gene with low rate of benign missense mutations and for which missense mutation is a common mechanism of a disease. The variant satisfies BP6 criteria - reputable source recently reports variant as benign, but the evidence is not available to the laboratory to perform an independent evaluation. However, the variant satisfies BS2 criteria - present in heterozygous state in an individual that clinically does not have Temple-Baraitser syndrome.

Labcorp Genetics (formerly Invitae), Labcorp
Classification: Likely benign. Last evaluated: 2024-02-17. Review status: criteria provided, single submitter. Criteria: Invitae Variant Classification Sherloc (09022015). Collection method: clinical testing. Allele origin: germline.

Literature cited by the submitters: PubMed 25420144 (cited by Centre for Medical Genetics,  Mumbai).

NM_172362.3(KCNH1):c.142G>A (p.Gly48Arg)

Gene: KCNH1 (potassium voltage-gated channel subfamily H member 1; minus strand). Cytogenetic location: 1q32.2.
Variant type: single nucleotide variant.
Coding change: c.142G>A on transcript NM_172362.3 (MANE Select); coding-DNA position 142, G replaced by A.
Protein change: p.Gly48Arg; replaces glycine 48 with arginine.
Molecular consequence: missense variant.
Genome position (GRCh38, 1-based): chr1:211,107,315, C>T on the plus strand (G>A on the coding strand, the complement: KCNH1 is on the minus strand). VCF-style: chr1-211107315-C-T. GRCh37 (hg19) VCF-style: chr1-211280657-C-T.
Other names: c.142G>A, p.Gly48Arg (NM_002238.4); short protein forms G48R.
Identifiers: ClinVar variation 2107877 (VCV002107877.5), dbSNP rs576529197, ClinGen allele CA1380094.
Genomic context (GRCh38, chr1:211,107,315, plus strand): 5'-TGCAGGTGCTGCTTTTTTGCATCACTTCTGCCCTGTGATAGCCAGACAGCTTGCAAAATC[C>T]ATCATTGCTGTACACAATAGGCCAGTCCACTATCTGAGCATTCCCCAACACAAAATTAGT-3'
Protein context (NP_758872.1, residues 38-58): VDWPIVYSND[Gly48Arg]FCKLSGYHRA